The following is an entry in ClinVar:

NM_024642.5(GALNT12):c.631G>A (p.Ala211Thr)

Gene: GALNT12 (polypeptide N-acetylgalactosaminyltransferase 12; plus strand). Cytogenetic location: 9q22.33.
Variant type: single nucleotide variant.
Coding change: c.631G>A on transcript NM_024642.5 (MANE Select); coding-DNA position 631, G replaced by A.
Protein change: p.Ala211Thr; replaces alanine 211 with threonine.
Molecular consequence: missense variant.
Genome position (GRCh38, 1-based): chr9:98,826,841, G>A. VCF-style: chr9-98826841-G-A. GRCh37 (hg19) VCF-style: chr9-101589123-G-A.
Other names: short protein forms A211T.
Identifiers: ClinVar variation 826322 (VCV000826322.19), dbSNP rs377671466, ClinGen allele CA5154010.
Genomic context (GRCh38, chr9:98,826,841, plus strand): 5'-CTTTCGGGACTGCCCAAGGTGCGCCTGATCCGCGCCAACAAGAGAGAGGGCCTGGTGCGA[G>A]CCCGGCTGCTGGGGGCGTCTGCGGCGAGGGGCGATGTTCTGACCTTCCTGGACTGTCACT-3'
Protein context (NP_078918.3, residues 201-221): RANKREGLVR[Ala211Thr]RLLGASAARG

ClinVar aggregate classification (germline): Uncertain significance. Review status: criteria provided, multiple submitters, no conflicts (2 of 4 stars). 4 submissions from 4 submitters: Uncertain significance (4). Last evaluated 2025-12-04.

Conditions:
Colorectal cancer, susceptibility to, 1. Also called: COLORECTAL ADENOMA AND CANCER, SUSCEPTIBILITY TO; COLORECTAL CANCER, SUSCEPTIBILITY TO, ON CHROMOSOME 9. Identifiers: MedGen C1837315, MONDO:0012132, OMIM 608812.

Allele frequency attached by ClinVar (database versions not stated): ExAC 0.00005; TOPMed 0.00009; gnomAD 0.00007; gnomAD exomes 0.00002; ESP Exome Variant Server 0.00008.
gnomAD v4.1: 14 of 1,610,342 alleles (0.00087%); highest among the groups gnomAD compares: African/African-American, 0.017%; no homozygotes.

Submissions (4):

Ambry Genetics
Classification: Uncertain significance. Last evaluated: 2025-12-04. Review status: criteria provided, single submitter. Criteria: Ambry Variant Classification Scheme 2023. Collection method: clinical testing. Allele origin: germline.

Labcorp Genetics (formerly Invitae), Labcorp
Classification: Uncertain significance. Last evaluated: 2025-06-18. Review status: criteria provided, single submitter. Criteria: Invitae Variant Classification Sherloc (09022015). Collection method: clinical testing. Allele origin: germline.
Comment: This sequence change replaces alanine, which is neutral and non-polar, with threonine, which is neutral and polar, at codon 211 of the GALNT12 protein (p.Ala211Thr). This variant is present in population databases (rs377671466, gnomAD 0.03%), and has an allele count higher than expected for a pathogenic variant. This variant has not been reported in the literature in individuals affected with GALNT12-related conditions. ClinVar contains an entry for this variant (Variation ID: 826322). Invitae Evidence Modeling of protein sequence and biophysical properties (such as structural, functional, and spatial information, amino acid conservation, physicochemical variation, residue mobility, and thermodynamic stability) indicates that this missense variant is not expected to disrupt GALNT12 protein function with a negative predictive value of 80%. In summary, the available evidence is currently insufficient to determine the role of this variant in disease. Therefore, it has been classified as a Variant of Uncertain Significance.

Quest Diagnostics Nichols Institute San Juan Capistrano
Classification: Uncertain significance. Last evaluated: 2025-05-28. Review status: criteria provided, single submitter. Criteria: Quest Diagnostics criteria. Collection method: clinical testing. Allele origin: unknown.
Comment: The GALNT12 c.631G>A (p.Ala211Thr) variant has not been reported in individuals with GALNT12-related conditions in the published literature. The frequency of this variant in the general population (Genome Aggregation Database) is higher than would generally be expected for pathogenic variants in this gene. Analysis of this variant using bioinformatics tools for the prediction of the effect of amino acid changes on protein structure and function yielded predictions that this variant is damaging. Based on the available information, we are unable to determine the clinical significance of this variant.

Baylor Genetics
Classification: Uncertain significance for Colorectal cancer, susceptibility to, 1. Last evaluated: 2024-03-22. Review status: criteria provided, single submitter. Criteria: ACMG Guidelines, 2015. Collection method: clinical testing. Allele origin: unknown.